The following is an entry in ClinVar:

NM_025137.4(SPG11):c.3212G>C (p.Ser1071Thr)

Gene: SPG11 (SPG11 vesicle trafficking associated, spatacsin; minus strand). Cytogenetic location: 15q21.1.
Variant type: single nucleotide variant.
Coding change: c.3212G>C on transcript NM_025137.4 (MANE Select); coding-DNA position 3212, G replaced by C.
Protein change: p.Ser1071Thr; replaces serine 1071 with threonine.
Molecular consequence: missense variant.
Genome position (GRCh38, 1-based): chr15:44,610,919, C>G on the plus strand (G>C on the coding strand, the complement: SPG11 is on the minus strand). VCF-style: chr15-44610919-C-G. GRCh37 (hg19) VCF-style: chr15-44903117-C-G.
Other names: c.3212G>C, p.Ser1071Thr (NM_001160227.2, NM_001411132.1); short protein forms S1071T.
Identifiers: ClinVar variation 1728960 (VCV001728960.2), dbSNP rs753234724, ClinGen allele CA7535027.
Genomic context (GRCh38, chr15:44,610,919, plus strand): 5'-GAATACATTGTAGTAGCAAGGGCCAGGAGGGTATGTCCTTCCAATAGCATACTGCTTACA[C>G]TGGCCTGATTGGTGGGAATCAAAATCTGAGCATTTGCAAGGCTAGCCTGGAAGATCAGTT-3'
Protein context (NP_079413.3, residues 1061-1081): AQILIPTNQA[Ser1071Thr]VSSMLLEGHT

ClinVar aggregate classification (germline): Uncertain significance (1 of 4 stars; one submission).

Conditions:
Inborn genetic diseases. Identifiers: MedGen C0950123, MeSH D030342.

Allele frequency attached by ClinVar (database versions not stated): ExAC 0.00001; gnomAD exomes 0.00002.
gnomAD v4.1: 9 of 1,613,918 alleles (0.00056%); highest among the groups gnomAD compares: East Asian, 0.02%; no homozygotes.

Submission:

Ambry Genetics
Classification: Uncertain significance for Inborn genetic diseases. Last evaluated: 2020-12-17. Review status: criteria provided, single submitter. Criteria: Ambry Variant Classification Scheme 2023. Collection method: clinical testing. Allele origin: germline.
Comment: The p.S1071T variant (also known as c.3212G>C), located in coding exon 18 of the SPG11 gene, results from a G to C substitution at nucleotide position 3212. The serine at codon 1071 is replaced by threonine, an amino acid with similar properties. This amino acid position is well conserved in available vertebrate species. In addition, this alteration is predicted to be tolerated by in silico analysis. Since supporting evidence is limited at this time, the clinical significance of this alteration remains unclear.